The following is an entry in ClinVar:

ClinVar aggregate classification (germline): Likely benign. Review status: criteria provided, single submitter (1 of 4 stars). 2 submissions from 2 submitters: Likely benign (1). 1 of the submissions does not count toward it. Last evaluated 2026-01-26.

Conditions:
Fetal akinesia deformation sequence 1 (FADS1). Also called: Fetal akinesia sequence; Pena-Shokeir syndrome type I. Identifiers: Orphanet 994, MedGen C1276035, MONDO:0100101, OMIM 208150, HP:0001989.
Congenital myasthenic syndrome 9. Also called: Myasthenic syndrome, congenital, 9, associated with acetylcholine receptor deficiency. Identifiers: Orphanet 590, MedGen C4225368, MONDO:0014587, OMIM 616325.
MUSK-related disorder. Also called: MUSK-related condition; MUSK-related disorders.

Allele frequency attached by ClinVar (database versions not stated): gnomAD exomes 0.00001 and 0.00004; ExAC 0.00005; gnomAD 0.00013; TOPMed 0.00016; ESP Exome Variant Server 0.00017; 1000 Genomes Project 0.00080; 1000 Genomes Project 30x 0.00094.

Submissions (2):

Labcorp Genetics (formerly Invitae), Labcorp
Classification: Likely benign for Congenital myasthenic syndrome 9; Fetal akinesia deformation sequence 1. Last evaluated: 2026-01-26. Review status: criteria provided, single submitter. Criteria: Invitae Variant Classification Sherloc (09022015). Collection method: clinical testing. Allele origin: germline.

PreventionGenetics, part of Exact Sciences
Classification: Likely benign for MUSK-related condition. Last evaluated: 2020-06-30. Review status: no assertion criteria provided. Collection method: clinical testing. Allele origin: germline. Not counted in ClinVar's aggregate classification.
Comment: This variant is classified as likely benign based on ACMG/AMP sequence variant interpretation guidelines (Richards et al. 2015 PMID: 25741868, with internal and published modifications).

NM_005592.4(MUSK):c.1806T>G (p.Pro602=)

Gene: MUSK (muscle associated receptor tyrosine kinase; plus strand). Cytogenetic location: 9q31.3.
Variant type: single nucleotide variant.
Coding change: c.1806T>G on transcript NM_005592.4 (MANE Select); coding-DNA position 1806, T replaced by G.
Protein change: p.Pro602=; no amino-acid change (proline 602 retained).
Molecular consequence: synonymous variant.
Genome position (GRCh38, 1-based): chr9:110,787,717, T>G. VCF-style: chr9-110787717-T-G. GRCh37 (hg19) VCF-style: chr9-113549997-T-G.
Other names: c.1548T>G, p.Pro516= (NM_001166280.2); c.1518T>G, p.Pro506= (NM_001166281.2); c.546T>G, p.Pro182= (NM_001369398.1).
Identifiers: ClinVar variation 733697 (VCV000733697.11), dbSNP rs374078491, ClinGen allele CA5184480.
Genomic context (GRCh38, chr9:110,787,717, plus strand): 5'-TTTGGTTTCTTTTTCAATAAATGTATCTCTCAGGGCACCAGGCTTACTTCCCTATGAACC[T>G]TTCACTATGGTGGCAGTAAAGATGCTCAAAGAAGAAGCCTCGGCAGATATGCAAGCGGAC-3'
Protein context (NP_005583.1, residues 592-612): ARAPGLLPYE[Pro602=]FTMVAVKMLK